The following is an entry in ClinVar:

ClinVar aggregate classification (germline): Uncertain significance. Review status: criteria provided, multiple submitters, no conflicts (2 of 4 stars). 2 submissions from 2 submitters: Uncertain significance (2). Last evaluated 2025-03-04.

Conditions:
Hereditary cancer-predisposing syndrome. Also called: Tumor predisposition; Hereditary neoplastic syndrome; Neoplastic Syndromes, Hereditary; Hereditary Cancer Syndrome. Identifiers: Orphanet 140162, MedGen C0027672, MeSH D009386, MONDO:0015356.

Submissions (2):

Center for Genomic Medicine, Rigshospitalet, Copenhagen University Hospital
Classification: Uncertain significance. Last evaluated: 2025-03-04. Review status: criteria provided, single submitter. Criteria: ACMG Guidelines, 2015. Collection method: clinical testing. Allele origin: germline.

Ambry Genetics
Classification: Uncertain significance for Hereditary cancer-predisposing syndrome. Last evaluated: 2023-12-08. Review status: criteria provided, single submitter. Criteria: Ambry Variant Classification Scheme 2023. Collection method: clinical testing. Allele origin: germline.
Comment: The p.G160V variant (also known as c.479G>T), located in coding exon 3 of the CDK4 gene, results from a G to T substitution at nucleotide position 479. The glycine at codon 160 is replaced by valine, an amino acid with dissimilar properties. This amino acid position is conserved. In addition, this alteration is predicted to be deleterious by in silico analysis. Since supporting evidence is limited at this time, the clinical significance of this alteration remains unclear.

NM_000075.4(CDK4):c.479G>T (p.Gly160Val)

Gene: CDK4 (cyclin dependent kinase 4; minus strand). Cytogenetic location: 12q14.1.
Variant type: single nucleotide variant.
Coding change: c.479G>T on transcript NM_000075.4 (MANE Select); coding-DNA position 479, G replaced by T.
Protein change: p.Gly160Val; replaces glycine 160 with valine.
Molecular consequence: missense variant.
Genome position (GRCh38, 1-based): chr12:57,750,966, C>A on the plus strand (G>T on the coding strand, the complement: CDK4 is on the minus strand). VCF-style: chr12-57750966-C-A. GRCh37 (hg19) VCF-style: chr12-58144749-C-A.
Other names: c.479G>T (NM_000075.3); short protein forms G160V.
Identifiers: ClinVar variation 2576421 (VCV002576421.3), dbSNP rs2140386403, ClinGen allele CA385546282.